The following is an entry in ClinVar:

ClinVar aggregate classification (germline): Pathogenic/Likely pathogenic. Review status: criteria provided, multiple submitters, no conflicts (2 of 4 stars). 2 submissions from 2 submitters: Pathogenic (1); Likely pathogenic (1). Last evaluated 2025-08-18.

Conditions:
Congenital glucose-galactose malabsorption (GGM). Also called: DIARRHEA 16; MONOSACCHARIDE MALABSORPTION. Identifiers: Orphanet 35710, MedGen C0268186, MONDO:0011731, OMIM 606824.
SLC5A1-related glucose/galactose malabsorption.

Submissions (2):

Rady Children's Institute for Genomic Medicine, Rady Children's Hospital San Diego
Classification: Pathogenic for SLC5A1-related glucose/galactose malabsorption. Last evaluated: 2025-08-18. Review status: criteria provided, single submitter. Criteria: ACMG Guidelines, 2015. Collection method: clinical testing. Allele origin: germline. Affected: yes.
Comment: This variant affects the canonical splice donor site of intron 4 and is therefore predicted to interfere with splicing. This splice site is adjacent to an in-frame exon; in-frame skipping of this exon would disrupt a critical transmembrane domain (PMID: 8563765). This variant has been previously reported in a patient with SLC5A1-related glucose/galactose malabsorption (PMID: 8563765). The c.372+2_372+8delinsCTTATATTAAGG variant is reported as a deletion and two insertions [c.372+1_372+2insCT; c.372+4_372+5del ; c.372+8_372+9insTAAGG] in the latest version of the gnomAD population database at an allele frequency of 0.004% (70/1613728), and thus is presumed to be rare. Based on the available evidence, c.372+2_372+8delinsCTTATATTAAGG is classified as Pathogenic.

Fulgent Genetics
Classification: Likely pathogenic for Congenital glucose-galactose malabsorption. Last evaluated: 2024-01-24. Review status: criteria provided, single submitter. Criteria: ACMG Guidelines, 2015. Collection method: clinical testing. Allele origin: germline.

Literature cited by the submitters: PubMed 8563765 (cited by Rady Children's Institute for Genomic Medicine, Rady Children's Hospital San Diego).

NM_000343.4(SLC5A1):c.372+2_372+8delinsCTTATATTAAGG

Gene: SLC5A1 (solute carrier family 5 member 1; plus strand). Cytogenetic location: 22q12.3.
Variant type: Indel.
Coding change: c.372+2_372+8delinsCTTATATTAAGG on transcript NM_000343.4 (MANE Select); the canonical splice donor site of the intron after coding-DNA position 372 through 8 bases into the intron after coding-DNA position 372, TAAGTAT replaced by CTTATATTAAGG.
Molecular consequence: splice donor variant.
Genome position (GRCh38, 1-based): chr22:32,068,028-32,068,034, TAAGTAT replaced by CTTATATTAAGG. VCF-style: chr22-32068028-TAAGTAT-CTTATATTAAGG. GRCh37 (hg19) VCF-style: chr22-32464015-TAAGTAT-CTTATATTAAGG.
Other names: c.-10+2_-10+8delinsCTTATATTAAGG (NM_001256314.2).
Identifiers: ClinVar variation 3587889 (VCV003587889.2).